The following is an entry in ClinVar:

ClinVar aggregate classification (germline): Benign/Likely benign. Review status: criteria provided, multiple submitters, no conflicts (2 of 4 stars). 2 submissions from 2 submitters: Benign (1); Likely benign (1). Last evaluated 2026-04-28.

Conditions:
Colorectal cancer, susceptibility to, 1. Also called: COLORECTAL ADENOMA AND CANCER, SUSCEPTIBILITY TO; COLORECTAL CANCER, SUSCEPTIBILITY TO, ON CHROMOSOME 9. Identifiers: MedGen C1837315, MONDO:0012132, OMIM 608812.

Allele frequency attached by ClinVar (database versions not stated): gnomAD exomes below 0.00001.
gnomAD v4.1: 1 of 1,614,084 alleles (0.000062%); highest among the groups gnomAD compares: South Asian, 0.0011%; no homozygotes.

Submissions (2):

Myriad Genetics, Inc.
Classification: Benign for Colorectal cancer, susceptibility to, 1. Last evaluated: 2026-04-28. Review status: criteria provided, single submitter. Criteria: Myriad Autosomal Dominant, Autosomal Recessive and X-Linked Classification Criteria (2023). Collection method: clinical testing. Allele origin: unknown.
Comment: This variant is considered benign. This variant is a silent/synonymous amino acid change and it is not expected to impact splicing.

Ambry Genetics
Classification: Likely benign. Last evaluated: 2022-04-22. Review status: criteria provided, single submitter. Criteria: Ambry Variant Classification Scheme 2023. Collection method: clinical testing. Allele origin: germline.

NM_024642.5(GALNT12):c.1668T>C (p.Ser556=)

Gene: GALNT12 (polypeptide N-acetylgalactosaminyltransferase 12; plus strand). Cytogenetic location: 9q22.33.
Variant type: single nucleotide variant.
Coding change: c.1668T>C on transcript NM_024642.5 (MANE Select); coding-DNA position 1668, T replaced by C.
Protein change: p.Ser556=; no amino-acid change (serine 556 retained).
Molecular consequence: synonymous variant.
Genome position (GRCh38, 1-based): chr9:98,849,014, T>C. VCF-style: chr9-98849014-T-C. GRCh37 (hg19) VCF-style: chr9-101611296-T-C.
Identifiers: ClinVar variation 1777622 (VCV001777622.3), dbSNP rs1460230295, ClinGen allele CA466426187.